The following is an entry in ClinVar:

NM_022041.4(GAN):c.307C>T (p.Gln103Ter)

Gene: GAN (gigaxonin; plus strand). Cytogenetic location: 16q23.2.
Variant type: single nucleotide variant.
Coding change: c.307C>T on transcript NM_022041.4 (MANE Select); coding-DNA position 307, C replaced by T.
Protein change: p.Gln103Ter; replaces glutamine 103 with a stop codon.
Molecular consequence: nonsense. On other transcripts: 5 prime UTR variant (1).
Genome position (GRCh38, 1-based): chr16:81,354,429, C>T. VCF-style: chr16-81354429-C-T. GRCh37 (hg19) VCF-style: chr16-81388034-C-T.
Other names: c.-333C>T (NM_001377486.1); short protein forms Q103*.
Identifiers: ClinVar variation 1451193 (VCV001451193.7), dbSNP rs1313883569, ClinGen allele CA396867251.

ClinVar aggregate classification (germline): Pathogenic. Review status: criteria provided, multiple submitters, no conflicts (2 of 4 stars). 2 submissions from 2 submitters: Pathogenic (2). Last evaluated 2025-06-12.

Conditions:
Giant axonal neuropathy 1 (GAN1). Also called: GIANT AXONAL NEUROPATHY 1, AUTOSOMAL RECESSIVE; GAN-Related Neurodegeneration. Identifiers: Orphanet 643, MedGen C1850386, MONDO:0009749, OMIM 256850.

Allele frequency attached by ClinVar (database versions not stated): gnomAD 0.00001; TOPMed 0.00001.
gnomAD v4.1: 1 of 1,611,686 alleles (0.000062%); highest among the groups gnomAD compares: African/African-American, 0.0013%; no homozygotes.

Submissions (2):

3billion
Classification: Pathogenic for Giant axonal neuropathy 1. Last evaluated: 2025-06-12. Review status: criteria provided, single submitter. Criteria: ACMG Guidelines, 2015. Collection method: clinical testing. Allele origin: germline. Affected: yes.
Comment: The variant is observed at an extremely low frequency in the gnomAD v4.1.0 dataset (total allele frequency: <0.001%). Predicted Consequence/Location: Stop-gained (nonsense): predicted to result in a loss or disruption of normal protein function through nonsense-mediated decay (NMD) or protein truncation. Multiple pathogenic variants are reported downstream of the variant. In silico tools predict the variant to alter splicing and produce an abnormal transcript [SpliceAI: 0.35 (spliceogenicity >=0.2, non-spliceogenicity <0.1)]. The variant has been reported to be associated with GAN-related disorder (ClinVar ID: VCV001451193). Therefore, this variant is classified as Pathogenic according to the recommendation of ACMG/AMP guideline.

Labcorp Genetics (formerly Invitae), Labcorp
Classification: Pathogenic for Giant axonal neuropathy 1. Last evaluated: 2024-10-19. Review status: criteria provided, single submitter. Criteria: Invitae Variant Classification Sherloc (09022015). Collection method: clinical testing. Allele origin: germline.
Comment: This sequence change creates a premature translational stop signal (p.Gln103*) in the GAN gene. It is expected to result in an absent or disrupted protein product. Loss-of-function variants in GAN are known to be pathogenic (PMID: 12655563, 14718689, 23890932). This variant is not present in population databases (gnomAD no frequency). This variant has not been reported in the literature in individuals affected with GAN-related conditions. ClinVar contains an entry for this variant (Variation ID: 1451193). For these reasons, this variant has been classified as Pathogenic.

Literature cited by the submitters: PubMed 12655563 (cited by Labcorp Genetics (formerly Invitae), Labcorp); PubMed 14718689 (cited by Labcorp Genetics (formerly Invitae), Labcorp); PubMed 23890932 (cited by Labcorp Genetics (formerly Invitae), Labcorp).